The following is an entry in ClinVar:

Conditions:
Breast-ovarian cancer, familial, susceptibility to, 1 (BROVCA1). Also called: BRCA1 Hereditary Breast and Ovarian Cancer; OVARIAN CANCER, SUSCEPTIBILITY TO. Identifiers: Orphanet 145, MedGen C2676676, MONDO:0011450, OMIM 604370. Disease mechanism: loss of function.

Submission:

Brotman Baty Institute, University of Washington
No classification provided (evidence only). Condition: Breast-ovarian cancer, familial 1. Review status: no classification provided. Collection method: in vitro. Allele origin: not applicable. Functional consequence: functionally_normal.
ClinVar note: "not provided" was previously submitted as the classification for the variant. However, the classification appeared to be based only on an observation of functional data so it was converted to no classification on 2025-07-30.

NM_007294.4(BRCA1):c.5100A>C (p.Thr1700=)

Gene: BRCA1 (BRCA1 DNA repair associated; minus strand). Cytogenetic location: 17q21.31.
Variant type: single nucleotide variant.
Coding change: c.5100A>C on transcript NM_007294.4 (MANE Select); coding-DNA position 5100, A replaced by C.
Protein change: p.Thr1700=; no amino-acid change (threonine 1700 retained).
Molecular consequence: synonymous variant. On other transcripts: intron variant (2).
Genome position (GRCh38, 1-based): chr17:43,063,926, T>G on the plus strand (A>C on the coding strand, the complement: BRCA1 is on the minus strand). VCF-style: chr17-43063926-T-G. GRCh37 (hg19) VCF-style: chr17-41215943-T-G.
Other names: c.4887A>C, p.Thr1629= (NM_001407571.1, NM_001407894.1, NM_001407895.1 and 12 more transcripts); c.5166A>C, p.Thr1722= (NM_001407581.1, NM_001407582.1); c.5163A>C, p.Thr1721= (NM_001407583.1, NM_001407585.1, NM_001407587.1 and 1 more transcripts); c.5160A>C, p.Thr1720= (NM_001407590.1, NM_001407591.1); c.5100A>C, p.Thr1700= (NM_001407593.1, NM_001407594.1, NM_001407596.1 and 7 more transcripts); c.5097A>C, p.Thr1699= (NM_001407610.1, NM_001407611.1, NM_001407612.1 and 17 more transcripts); c.5094A>C, p.Thr1698= (NM_001407627.1, NM_001407628.1, NM_001407629.1 and 14 more transcripts); c.5091A>C, p.Thr1697= (NM_001407644.1, NM_001407645.1); and 73 more.
Identifiers: ClinVar variation 864949 (VCV000864949.3), dbSNP rs45519437, ClinGen allele CA500146206.